The following is an entry in ClinVar:

ClinVar aggregate classification (germline): Uncertain significance (1 of 4 stars; one submission).

gnomAD v4.1: 1 of 1,209,450 alleles (0.000083%); highest among the groups gnomAD compares: South Asian, 0.0018%; no homozygotes.

Submission:

GeneDx
Classification: Uncertain significance. Last evaluated: 2024-07-08. Review status: criteria provided, single submitter. Criteria: GeneDx Variant Classification Process June 2021. Collection method: clinical testing. Allele origin: germline. Affected: yes.
Comment: Not observed at significant frequency in large population cohorts (gnomAD); In silico analysis supports that this missense variant has a deleterious effect on protein structure/function; Has not been previously published as pathogenic or benign to our knowledge

NM_005120.3(MED12):c.2471C>T (p.Pro824Leu)

Gene: MED12 (mediator complex subunit 12; plus strand). Cytogenetic location: Xq13.1.
Variant type: single nucleotide variant.
Coding change: c.2471C>T on transcript NM_005120.3 (MANE Select); coding-DNA position 2471, C replaced by T.
Protein change: p.Pro824Leu; replaces proline 824 with leucine.
Molecular consequence: missense variant.
Genome position (GRCh38, 1-based): chrX:71,126,084, C>T. VCF-style: chrX-71126084-C-T. GRCh37 (hg19) VCF-style: chrX-70345934-C-T.
Other names: short protein forms P824L.
Identifiers: ClinVar variation 3572619 (VCV003572619.1).